The following is an entry in ClinVar:

ClinVar aggregate classification (germline): Uncertain significance (1 of 4 stars; one submission).

Conditions:
Congenital myasthenic syndrome 18. Also called: MYASTHENIC SYNDROME, CONGENITAL, 18, WITH INTELLECTUAL DISABILITY AND ATAXIA. Identifiers: Orphanet 590, MedGen C4225364, MONDO:0014590, OMIM 616330.

Submission:

Labcorp Genetics (formerly Invitae), Labcorp
Classification: Uncertain significance for Congenital myasthenic syndrome 18. Last evaluated: 2021-04-23. Review status: criteria provided, single submitter. Criteria: Invitae Variant Classification Sherloc (09022015). Collection method: clinical testing. Allele origin: germline.
Comment: This sequence change replaces aspartic acid with glutamic acid at codon 23 of the SNAP25 protein (p.Asp23Glu). The aspartic acid residue is highly conserved and there is a small physicochemical difference between aspartic acid and glutamic acid. This variant is not present in population databases (ExAC no frequency). This variant has been observed in individual(s) with clinical features of SNAP25-related conditions (Invitae). Algorithms developed to predict the effect of missense changes on protein structure and function are either unavailable or do not agree on the potential impact of this missense change (SIFT: "Tolerated"; PolyPhen-2: "Probably Damaging"; Align-GVGD: "Class C0"). In summary, the available evidence is currently insufficient to determine the role of this variant in disease. Therefore, it has been classified as a Variant of Uncertain Significance.

NM_130811.4(SNAP25):c.69T>G (p.Asp23Glu)

Gene: SNAP25 (synaptosome associated protein 25; plus strand). Cytogenetic location: 20p12.2.
Variant type: single nucleotide variant.
Coding change: c.69T>G on transcript NM_130811.4 (MANE Select); coding-DNA position 69, T replaced by G.
Protein change: p.Asp23Glu; replaces aspartic acid 23 with glutamic acid.
Molecular consequence: missense variant.
Genome position (GRCh38, 1-based): chr20:10,275,560, T>G. VCF-style: chr20-10275560-T-G. GRCh37 (hg19) VCF-style: chr20-10256208-T-G.
Other names: c.69T>G, p.Asp23Glu (NM_001322902.2, NM_001322903.2, NM_001322904.2 and 7 more transcripts); short protein forms D23E.
Identifiers: ClinVar variation 1475550 (VCV001475550.8), dbSNP rs1278243837, ClinGen allele CA408265295.
Genomic context (GRCh38, chr20:10,275,560, plus strand): 5'-AGACGCAGACATGCGCAATGAGCTGGAGGAGATGCAGCGAAGGGCTGACCAGTTGGCTGA[T>G]GAGGTAAGGAGTGGAGACCTAGGAAGGGAGGCAAAAGATGAAGGCCTGAGTGGTTTGTCT-3'
Protein context (NP_570824.1, residues 13-33): EMQRRADQLA[Asp23Glu]ESLESTRRML